The following is an entry in ClinVar:

NM_015909.4(NBAS):c.883G>A (p.Ala295Thr)

Gene: NBAS (NBAS subunit of NRZ tethering complex; minus strand). Cytogenetic location: 2p24.3.
Variant type: single nucleotide variant.
Coding change: c.883G>A on transcript NM_015909.4 (MANE Select); coding-DNA position 883, G replaced by A.
Protein change: p.Ala295Thr; replaces alanine 295 with threonine.
Molecular consequence: missense variant. On other transcripts: non-coding transcript variant (1).
Genome position (GRCh38, 1-based): chr2:15,511,214, C>T on the plus strand (G>A on the coding strand, the complement: NBAS is on the minus strand). VCF-style: chr2-15511214-C-T. GRCh37 (hg19) VCF-style: chr2-15651338-C-T.
Other names: short protein forms A295T.
Identifiers: ClinVar variation 1926584 (VCV001926584.3), dbSNP rs989939751, ClinGen allele CA42647575.

ClinVar aggregate classification (germline): Uncertain significance (1 of 4 stars; one submission).

Allele frequency attached by ClinVar (database versions not stated): gnomAD exomes below 0.00001; TOPMed 0.00001.

Submission:

Labcorp Genetics (formerly Invitae), Labcorp
Classification: Uncertain significance. Last evaluated: 2024-02-24. Review status: criteria provided, single submitter. Criteria: Invitae Variant Classification Sherloc (09022015). Collection method: clinical testing. Allele origin: germline.
Comment: This sequence change replaces alanine, which is neutral and non-polar, with threonine, which is neutral and polar, at codon 295 of the NBAS protein (p.Ala295Thr). This variant is present in population databases (no rsID available, gnomAD 0.006%). This variant has not been reported in the literature in individuals affected with NBAS-related conditions. ClinVar contains an entry for this variant (Variation ID: 1926584). Algorithms developed to predict the effect of missense changes on protein structure and function output the following: SIFT: "Not Available"; PolyPhen-2: "Benign"; Align-GVGD: "Not Available". The threonine amino acid residue is found in multiple mammalian species, which suggests that this missense change does not adversely affect protein function. In summary, the available evidence is currently insufficient to determine the role of this variant in disease. Therefore, it has been classified as a Variant of Uncertain Significance.